The following is an entry in ClinVar:

NM_001199198.3(TBC1D23):c.460A>G (p.Asn154Asp)

Gene: TBC1D23 (TBC1 domain family member 23; plus strand). Cytogenetic location: 3q12.1.
Variant type: single nucleotide variant.
Coding change: c.460A>G on transcript NM_001199198.3 (MANE Select); coding-DNA position 460, A replaced by G.
Protein change: p.Asn154Asp; replaces asparagine 154 with aspartic acid.
Molecular consequence: missense variant.
Genome position (GRCh38, 1-based): chr3:100,283,795, A>G. VCF-style: chr3-100283795-A-G. GRCh37 (hg19) VCF-style: chr3-100002639-A-G.
Other names: c.460A>G (NM_001199198.1); c.460A>G, p.Asn154Asp (NM_018309.5); short protein forms N154D.
Identifiers: ClinVar variation 934904 (VCV000934904.10), dbSNP rs141943350, ClinGen allele CA2514427.

ClinVar aggregate classification (germline): Uncertain significance. Review status: criteria provided, multiple submitters, no conflicts (2 of 4 stars). 2 submissions from 2 submitters: Uncertain significance (2). Last evaluated 2024-01-23.

Conditions:
Inborn genetic diseases. Identifiers: MedGen C0950123, MeSH D030342.

Allele frequency attached by ClinVar (database versions not stated): TOPMed 0.00003.
gnomAD v4.1: 7 of 1,606,254 alleles (0.00044%); highest among the groups gnomAD compares: Admixed American, 0.01%; no homozygotes.

Submissions (2):

Ambry Genetics
Classification: Uncertain significance for Inborn genetic diseases. Last evaluated: 2024-01-23. Review status: criteria provided, single submitter. Criteria: Ambry Variant Classification Scheme 2023. Collection method: clinical testing. Allele origin: germline.

Labcorp Genetics (formerly Invitae), Labcorp
Classification: Uncertain significance. Last evaluated: 2019-06-19. Review status: criteria provided, single submitter. Criteria: Invitae Variant Classification Sherloc (09022015). Collection method: clinical testing. Allele origin: germline.
Comment: In summary, the available evidence is currently insufficient to determine the role of this variant in disease. Therefore, it has been classified as a Variant of Uncertain Significance. Algorithms developed to predict the effect of missense changes on protein structure and function (SIFT, PolyPhen-2, Align-GVGD) all suggest that this variant is likely to be tolerated, but these predictions have not been confirmed by published functional studies and their clinical significance is uncertain. This variant has not been reported in the literature in individuals with TBC1D23-related conditions. This variant is present in population databases (rs141943350, ExAC 0.02%). This sequence change replaces asparagine with aspartic acid at codon 154 of the TBC1D23 protein (p.Asn154Asp). The asparagine residue is moderately conserved and there is a small physicochemical difference between asparagine and aspartic acid.